The following is an entry in ClinVar:

NM_005876.5(SPEG):c.6358C>T (p.Leu2120Phe)

Genes: ASIC4-AS1 (ASIC4 antisense RNA 1; minus strand), SPEG (striated muscle enriched protein kinase; plus strand). Cytogenetic location: 2q35.
Variant type: single nucleotide variant.
Coding change: c.6358C>T on transcript NM_005876.5 (MANE Select); coding-DNA position 6358, C replaced by T.
Protein change: p.Leu2120Phe; replaces leucine 2120 with phenylalanine.
Molecular consequence: missense variant.
Genome position (GRCh38, 1-based): chr2:219,483,821, C>T. VCF-style: chr2-219483821-C-T. GRCh37 (hg19) VCF-style: chr2-220348543-C-T.
Other names: short protein forms L2120F.
Identifiers: ClinVar variation 426993 (VCV000426993.55), dbSNP rs201901718, ClinGen allele CA2127023.
Genomic context (GRCh38, chr2:219,483,821, plus strand): 5'-CGGGACCCCCGGATGGCACGAGCTGCCTCCAGCGAGGCAGCGCCCCACCACCAGCCCCCA[C>T]TCGAGAACCGGGGCCTGCAAAAGAGCAGCAGCTTCTCCCAGGGTGAGGCGGAGCCCCGGG-3'
Protein context (NP_005867.3, residues 2110-2130): SEAAPHHQPP[Leu2120Phe]ENRGLQKSSS

ClinVar aggregate classification (germline): Conflicting classifications of pathogenicity. Review status: criteria provided, conflicting classifications (1 of 4 stars). 5 submissions from 5 submitters: Uncertain significance (2); Likely benign (2). 1 of the submissions does not count toward it. Last evaluated 2026-01-28.

Conditions:
SPEG-related disorder. Also called: SPEG-related condition.

Allele frequency attached by ClinVar (database versions not stated): gnomAD exomes 0.00232 and 0.00118; ExAC 0.00286; ESP Exome Variant Server 0.00072; TOPMed 0.00118; 1000 Genomes Project 30x 0.00125; gnomAD 0.00125 and 0.00126; 1000 Genomes Project 0.00140.
gnomAD v4.1: 3,469 of 1,580,760 alleles (0.22%); highest among the groups gnomAD compares: Non-Finnish European, 0.28%; 5 homozygotes.

Submissions (5):

Labcorp Genetics (formerly Invitae), Labcorp
Classification: Likely benign. Last evaluated: 2026-01-28. Review status: criteria provided, single submitter. Criteria: Invitae Variant Classification Sherloc (09022015). Collection method: clinical testing. Allele origin: germline.

Blueprint Genetics
Classification: Likely benign. Last evaluated: 2024-11-06. Review status: criteria provided, single submitter. Criteria: ACMG Guidelines, 2015. Collection method: clinical testing. Allele origin: germline.

CeGaT Center for Human Genetics Tuebingen
Classification: Uncertain significance. Last evaluated: 2022-01-01. Review status: criteria provided, single submitter. Criteria: CeGaT Center For Human Genetics Tuebingen Variant Classification Criteria Version 2. Collection method: clinical testing. Allele origin: germline. Affected: yes. Observed: 3 variant alleles.

GeneDx
Classification: Uncertain significance. Last evaluated: 2017-09-15. Review status: criteria provided, single submitter. Criteria: GeneDx Variant Classification (06012015). Collection method: clinical testing. Allele origin: germline. Affected: yes.
Comment: The L2120F variant in the SPEG gene has not been reported previously as a pathogenic variant, nor as a benign variant, to our knowledge. The L2120F variant is observed in 81/15448 (0.5%) alleles from individuals of European background, in large population cohorts (Lek et al., 2016; 1000 Genomes Consortium et al., 2015; Exome Variant Server). The L2120F variant is a conservative amino acid substitution, which is not likely to impact secondary protein structure as these residues share similar properties. This substitution occurs at a position that is not conserved. In silico analysis is inconsistent in its predictions as to whether or not the variant is damaging to the protein structure/function. We interpret L2120F as a variant of uncertain significance.

PreventionGenetics, part of Exact Sciences
Classification: Likely benign for SPEG-related condition. Last evaluated: 2022-11-03. Review status: no assertion criteria provided. Collection method: clinical testing. Allele origin: germline. Not counted in ClinVar's aggregate classification.
Comment: This variant is classified as likely benign based on ACMG/AMP sequence variant interpretation guidelines (Richards et al. 2015 PMID: 25741868, with internal and published modifications).